The following is an entry in ClinVar:

ClinVar aggregate classification (germline): Pathogenic (1 of 4 stars; one submission).

Conditions:
Telangiectasia, hereditary hemorrhagic, type 1 (HHT1). Also called: Osler Weber Rendu syndrome type 1; ENG-Related Hereditary Hemorrhagic Telangiectasia. Identifiers: Orphanet 774, MedGen C4551861, MONDO:0008535, OMIM 187300. Disease mechanism: loss of function.

Submission:

NIHR Bioresource Rare Diseases, University of Cambridge
Classification: Pathogenic for Telangiectasia, hereditary hemorrhagic, type 1. Last evaluated: 2018-01-01. Review status: criteria provided, single submitter. Criteria: ACMG Guidelines, 2015. Collection method: research. Allele origin: unknown. Affected: yes. Observed: 1 variant allele.
Comment: PVS1+PM2+PP4

Literature cited by the submitters: PubMed 32573726.

NM_001114753.3(ENG):c.146del (p.Val49fs)

Gene: ENG (endoglin; minus strand). Cytogenetic location: 9q34.11.
Variant type: Deletion.
Coding change: c.146del on transcript NM_001114753.3 (MANE Select); coding-DNA position 146, one base deleted (T; older notation c.146delT).
Protein change: p.Val49fs; shifts the reading frame from valine 49.
Molecular consequence: frameshift variant. On other transcripts: 5 prime UTR variant (1).
Genome position (GRCh38, 1-based): chr9:127,843,167, A deleted on the plus strand (T on the coding strand, the reverse complement: ENG is on the minus strand). VCF-style (leftmost placement, unchanged base first): chr9-127843166-GA-G. GRCh37 (hg19) VCF-style: chr9-130605445-GA-G.
Other names: c.146delT (NM_000118.3); c.146delT, p.Val49Alafs (NM_000118.4, NM_001406715.1); c.-401del (NM_001278138.2); short protein forms V49fs.
Identifiers: ClinVar variation 983200 (VCV000983200.3), dbSNP rs1831082309, ClinGen allele CA1139661228.
Genomic context (GRCh38, chr9:127,843,166, plus strand): 5'-CAGGAAGAGGACATGGACTTCAAGGATGGCATTGGGGGCCTGAGCCACGCAGCCCTTCGA[GA>G]CCTGGCTAGTGGTATATGTCACCTCGCCCCTCTCGGGGCCCACAGGCTGAAGGTCACAAT-3'